The following is an entry in ClinVar:

ClinVar aggregate classification (germline): Likely pathogenic (1 of 4 stars; one submission).

Conditions:
Congenital hyperammonemia, type I. Also called: Carbamoyl phosphate synthetase 1 deficiency; Hyperammonemia due to carbamoyl phosphate synthetase 1 deficiency; CPS 1 deficiency; Carbamyl phosphate synthetase (CPS) deficiency; CPS I DEFICIENCY; Carbamoyl-phosphate synthase I deficiency. Identifiers: Orphanet 147, MedGen C4082171, MONDO:0009376, OMIM 237300.

Submission:

Myriad Genetics, Inc.
Classification: Likely pathogenic for Congenital hyperammonemia, type I. Last evaluated: 2022-02-02. Review status: criteria provided, single submitter. Criteria: Myriad Women's Health Autosomal Recessive and X-Linked Classification Criteria (2021). Collection method: clinical testing. Allele origin: unknown.
Comment: NM_001875.4(CPS1):c.2470_2471delAC(T824Sfs*12) is expected to be pathogenic in the context of carbamoylphosphate synthetase I deficiency. This variant is predicted to lead to an abnormal or absent protein product due to the creation of a premature termination codon in CPS1, a gene where loss-of-function variants are known to be pathogenic. Please note: this variant was assessed in the context of healthy population screening.

NM_001875.5(CPS1):c.2470_2471del (p.Thr824fs)

Gene: CPS1 (carbamoyl-phosphate synthase 1; plus strand). Cytogenetic location: 2q34.
Variant type: Deletion.
Coding change: c.2470_2471del on transcript NM_001875.5 (MANE Select); coding-DNA positions 2470 to 2471, 2 bases deleted (AC; older notation c.2470_2471delAC).
Protein change: p.Thr824fs; shifts the reading frame from threonine 824.
Molecular consequence: frameshift variant. On other transcripts: non-coding transcript variant (2).
Genome position (GRCh38, 1-based): chr2:210,612,195-210,612,196, AC deleted; deleting any 2 consecutive bases within chr2:210,612,194-210,612,196 gives the same sequence; the c. name uses the placement nearest the transcript's 3' end. VCF-style (leftmost placement, unchanged base first): chr2-210612193-TCA-T. GRCh37 (hg19) VCF-style: chr2-211476917-TCA-T.
Other names: c.2470_2471del, p.Thr824fs (NM_001122633.3, NM_001369257.1); c.2503_2504del, p.Thr835fs (NM_001369256.1); short protein forms T824fs, T835fs.
Identifiers: ClinVar variation 1724254 (VCV001724254.2), dbSNP rs2469186568, ClinGen allele CA2580065544.